The following is an entry in ClinVar:

NM_020297.4(ABCC9):c.2238-274_2238-229del

Gene: ABCC9 (ATP binding cassette subfamily C member 9; minus strand). Cytogenetic location: 12p12.1.
Variant type: Deletion.
Coding change: c.2238-274_2238-229del on transcript NM_020297.4 (MANE Select); 274 bases into the intron before coding-DNA position 2238 through 229 bases into the intron before coding-DNA position 2238, 46 bases deleted.
Molecular consequence: intron variant.
Genome position (GRCh38, 1-based): chr12:21,863,283-21,863,328, 46 bases deleted; deleting any 46 consecutive bases within chr12:21,863,283-21,863,329 gives the same sequence; the c. name uses the placement nearest the transcript's 3' end. GRCh37 (hg19): chr12:22,016,218-22,016,263.
Other names: c.1374-277_1374-232del (NM_001377274.1); c.2238-274_2238-229del (NM_005691.4, NM_001377273.1).
Identifiers: ClinVar variation 681189 (VCV000681189.1), dbSNP rs67168417, ClinGen allele CA233606234.

ClinVar aggregate classification (germline): Benign (1 of 4 stars; one submission).

Submission:

GeneDx
Classification: Benign. Last evaluated: 2018-06-14. Review status: criteria provided, single submitter. Criteria: GeneDx Variant Classification (06012015). Collection method: clinical testing. Allele origin: germline. Affected: yes.
Comment: This variant is considered likely benign or benign based on one or more of the following criteria: it is a conservative change, it occurs at a poorly conserved position in the protein, it is predicted to be benign by multiple in silico algorithms, and/or has population frequency not consistent with disease.